The following is an entry in ClinVar:

ClinVar aggregate classification (germline): Uncertain significance (1 of 4 stars; one submission).

Submission:

Women's Health and Genetics/Laboratory Corporation of America, LabCorp
Classification: Uncertain significance. Last evaluated: 2024-04-23. Review status: criteria provided, single submitter. Criteria: LabCorp Variant Classification Summary - May 2015. Collection method: clinical testing. Allele origin: germline.
Comment: Variant summary: DOHH c.524G>C (p.Arg175Pro) results in a non-conservative amino acid change in the encoded protein sequence. Five of five in-silico tools predict a damaging effect of the variant on protein function. The variant allele was found at a frequency of 7e-06 in 142406 control chromosomes (gnomAD). The available data on variant occurrences in the general population are insufficient to allow any conclusion about variant significance. To our knowledge, no occurrence of c.524G>C in individuals affected with Neurodevelopmental Disorder With Microcephaly, Cerebral Atrophy, And Visual Impairment and no experimental evidence demonstrating its impact on protein function have been reported. No submitters have cited clinical-significance assessments for this variant to ClinVar. Based on the evidence outlined above, the variant was classified as uncertain significance.

NM_001145165.2(DOHH):c.524G>C (p.Arg175Pro)

Gene: DOHH (deoxyhypusine hydroxylase; minus strand). Cytogenetic location: 19p13.3.
Variant type: single nucleotide variant.
Coding change: c.524G>C on transcript NM_001145165.2 (MANE Select); coding-DNA position 524, G replaced by C.
Protein change: p.Arg175Pro; replaces arginine 175 with proline.
Molecular consequence: missense variant.
Genome position (GRCh38, 1-based): chr19:3,492,327, C>G on the plus strand (G>C on the coding strand, the complement: DOHH is on the minus strand). VCF-style: chr19-3492327-C-G. GRCh37 (hg19) VCF-style: chr19-3492325-C-G.
Other names: c.524G>C, p.Arg175Pro (NM_031304.5); short protein forms R175P.
Identifiers: ClinVar variation 3251759 (VCV003251759.1), dbSNP rs1314195440.
Genomic context (GRCh38, chr19:3,492,327, plus strand): 5'-GCCAGCGCCAGGGCGGCCTCCTCGCCTCCCGCGTTGCGCAGGGCGAACATGGCGCGGTAT[C>G]GCTCGAAGAGCGGCCGGGACTCATCCAGCAGCGCCTCCCGCAGGCGCCCCACGTCACGCT-3'
Protein context (NP_001138637.1, residues 165-185): LLDESRPLFE[Arg175Pro]YRAMFALRNA